The following is an entry in ClinVar:

NM_000545.8(HNF1A):c.458C>T (p.Pro153Leu)

Gene: HNF1A (HNF1 homeobox A; plus strand). Cytogenetic location: 12q24.31.
Variant type: single nucleotide variant.
Coding change: c.458C>T on transcript NM_000545.8 (MANE Select); coding-DNA position 458, C replaced by T.
Protein change: p.Pro153Leu; replaces proline 153 with leucine.
Molecular consequence: missense variant.
Genome position (GRCh38, 1-based): chr12:120,988,964, C>T. VCF-style: chr12-120988964-C-T. GRCh37 (hg19) VCF-style: chr12-121426767-C-T.
Other names: NM_000545.8(HNF1A):c.458C>T; p.Pro153Leu; c.458C>T, p.Pro153Leu (NM_001306179.2, NM_001406915.1); short protein forms P153L.
Identifiers: ClinVar variation 2735983 (VCV002735983.3), dbSNP rs2135832748, ClinGen allele CA386960231.

ClinVar aggregate classification (germline): Uncertain significance. Review status: reviewed by expert panel (3 of 4 stars). 2 submissions from 2 submitters: Uncertain significance (1). 1 of the submissions does not count toward it. Last evaluated 2024-12-09.

Conditions:
Monogenic diabetes. Identifiers: Orphanet 183625, MedGen C3888631, MONDO:0015967.

Submissions (2):

ClinGen Monogenic Diabetes Variant Curation Expert Panel
Classification: Uncertain significance for Monogenic diabetes. Last evaluated: 2024-12-09. Review status: reviewed by expert panel. Criteria: ClinGen Diabetes ACMG Specifications HNF1A V2.1.0. Collection method: curation. Allele origin: germline. Inheritance: Autosomal dominant inheritance.
Comment: The c.458C>T variant in the HNF1 homeobox A gene, HNF1A, causes an amino acid change of proline to leucine at codon 153 (p.(Pro153Leu)) of NM_000545.8. This variant is located within a conserved region of the DNA binding domain (codons 107-174 and 201-280) of HNF1A, which is defined as critical for the protein’s function by the ClinGen MDEP (PM1_Supporting). This variant is absent from gnomAD v2.1.1 (PM2_Supporting). This variant is predicted to be deleterious by computational evidence, with a REVEL score of 0.979, which is greater than the MDEP VCEP threshold of 0.70 (PP3). This variant was identified in an individual with a clinical history highly specific for HNF1A-monogenic diabetes (MODY probability calculator result >50%, negative genetic testing for HNF4A, and sulfonylurea-responsive) (PP4_Moderate; PMID: 23348805, internal lab contributors). In summary, c.458C>T meets the criteria to be classified as a variant of uncertain significance for monogenic diabetes. ACMG/AMP criteria applied, as specified by the ClinGen MDEP (specification version 2.1.0, approved 8/11/2023): PM1_Supporting, PM2_Supporting, PP3, PP4_moderate.

Labcorp Genetics (formerly Invitae), Labcorp
Classification: Uncertain significance. Last evaluated: 2022-12-14. Review status: criteria provided, single submitter. Criteria: Invitae Variant Classification Sherloc (09022015). Collection method: clinical testing. Allele origin: germline. Not counted in ClinVar's aggregate classification.
Comment: This sequence change replaces proline, which is neutral and non-polar, with leucine, which is neutral and non-polar, at codon 153 of the HNF1A protein (p.Pro153Leu). This variant is not present in population databases (gnomAD no frequency). This missense change has been observed in individual(s) with maturity-onset diabetes of the young (PMID: 23348805; Invitae). Algorithms developed to predict the effect of missense changes on protein structure and function (SIFT, PolyPhen-2, Align-GVGD) all suggest that this variant is likely to be disruptive. In summary, the available evidence is currently insufficient to determine the role of this variant in disease. Therefore, it has been classified as a Variant of Uncertain Significance.

Literature cited by the submitters: PubMed 23348805 (cited by ClinGen Monogenic Diabetes Variant Curation Expert Panel and Labcorp Genetics (formerly Invitae), Labcorp).